The following is an entry in ClinVar:

NM_032242.4(PLXNA1):c.4675C>T (p.Arg1559Cys)

Gene: PLXNA1 (plexin A1; plus strand). Cytogenetic location: 3q21.3.
Variant type: single nucleotide variant.
Coding change: c.4675C>T on transcript NM_032242.4 (MANE Select); coding-DNA position 4675, C replaced by T.
Protein change: p.Arg1559Cys; replaces arginine 1559 with cysteine.
Molecular consequence: missense variant.
Genome position (GRCh38, 1-based): chr3:127,028,998, C>T. VCF-style: chr3-127028998-C-T. GRCh37 (hg19) VCF-style: chr3-126747841-C-T.
Other names: c.4675C>T (NM_032242.3); short protein forms R1559C.
Identifiers: ClinVar variation 1981716 (VCV001981716.6), dbSNP rs765698174, ClinGen allele CA2594463.

ClinVar aggregate classification (germline): Uncertain significance. Review status: criteria provided, multiple submitters, no conflicts (2 of 4 stars). 3 submissions from 3 submitters: Uncertain significance (3). Last evaluated 2025-10-30.

Conditions:
PLXNA1-related disorder. Also called: PLXNA1-related condition.

Allele frequency attached by ClinVar (database versions not stated): gnomAD 0.00001; TOPMed 0.00002; ExAC 0.00003.
gnomAD v4.1: 14 of 1,611,614 alleles (0.00087%); highest among the groups gnomAD compares: South Asian, 0.0077%; no homozygotes.

Submissions (3):

PreventionGenetics, part of Exact Sciences
Classification: Uncertain significance for PLXNA1-related condition. Last evaluated: 2025-10-30. Review status: criteria provided, single submitter. Criteria: ACMG Guidelines, 2015. Collection method: clinical testing. Allele origin: germline.
Comment: The PLXNA1 c.4675C>T variant is predicted to result in the amino acid substitution p.Arg1559Cys. To our knowledge, this variant has not been reported in the literature. This variant is reported in 0.0065% of alleles in individuals of South Asian descent in gnomAD. At this time, the clinical significance of this variant is uncertain due to the absence of conclusive functional and genetic evidence.

Ambry Genetics
Classification: Uncertain significance. Last evaluated: 2024-12-06. Review status: criteria provided, single submitter. Criteria: Ambry Variant Classification Scheme 2023. Collection method: clinical testing. Allele origin: germline.

Labcorp Genetics (formerly Invitae), Labcorp
Classification: Uncertain significance. Last evaluated: 2022-08-21. Review status: criteria provided, single submitter. Criteria: Invitae Variant Classification Sherloc (09022015). Collection method: clinical testing. Allele origin: germline.
Comment: This variant has not been reported in the literature in individuals affected with PLXNA1-related conditions. Algorithms developed to predict the effect of missense changes on protein structure and function are either unavailable or do not agree on the potential impact of this missense change (SIFT: "Deleterious"; PolyPhen-2: "Probably Damaging"; Align-GVGD: "Class C0"). In summary, the available evidence is currently insufficient to determine the role of this variant in disease. Therefore, it has been classified as a Variant of Uncertain Significance. This variant is present in population databases (rs765698174, gnomAD 0.007%). This sequence change replaces arginine, which is basic and polar, with cysteine, which is neutral and slightly polar, at codon 1559 of the PLXNA1 protein (p.Arg1559Cys).